The following is an entry in ClinVar:

NM_001378454.1(ALMS1):c.582A>G (p.Ile194Met)

Gene: ALMS1 (ALMS1 centrosome and basal body associated protein; plus strand). Cytogenetic location: 2p13.1.
Variant type: single nucleotide variant.
Coding change: c.582A>G on transcript NM_001378454.1 (MANE Select); coding-DNA position 582, A replaced by G.
Protein change: p.Ile194Met; replaces isoleucine 194 with methionine.
Molecular consequence: missense variant.
Genome position (GRCh38, 1-based): chr2:73,419,254, A>G. VCF-style: chr2-73419254-A-G. GRCh37 (hg19) VCF-style: chr2-73646382-A-G.
Other names: c.585A>G, p.Ile195Met (NM_015120.4); short protein forms I194M, I195M.
Identifiers: ClinVar variation 2449607 (VCV002449607.3), dbSNP rs1230938210, ClinGen allele CA347259200.

ClinVar aggregate classification (germline): Uncertain significance. Review status: criteria provided, single submitter (1 of 4 stars). 2 submissions from 2 submitters: Uncertain significance (1). 1 of the submissions does not count toward it. Last evaluated 2023-03-03.

Conditions:
Alstrom syndrome (ALMS). Identifiers: Orphanet 64, MedGen C0268425, MONDO:0008763, OMIM 203800.
Cardiovascular phenotype. Identifiers: MedGen CN230736.

Allele frequency attached by ClinVar (database versions not stated): gnomAD exomes below 0.00001; TOPMed below 0.00001.
gnomAD v4.1: 2 of 1,614,086 alleles (0.00012%); highest among the groups gnomAD compares: African/African-American, 0.0013%; no homozygotes.

Submissions (2):

Ambry Genetics
Classification: Uncertain significance for Cardiovascular phenotype. Last evaluated: 2023-03-03. Review status: criteria provided, single submitter. Criteria: Ambry Variant Classification Scheme 2023. Collection method: clinical testing. Allele origin: germline.
Comment: The p.I195M variant (also known as c.585A>G), located in coding exon 3 of the ALMS1 gene, results from an A to G substitution at nucleotide position 585. The isoleucine at codon 195 is replaced by methionine, an amino acid with highly similar properties. This amino acid position is poorly conserved in available vertebrate species. In addition, this alteration is predicted to be tolerated by in silico analysis. Since supporting evidence is limited at this time, the clinical significance of this alteration remains unclear.

Natera, Inc.
Classification: Uncertain significance for Alstrom syndrome. Last evaluated: 2025-04-24. Review status: no assertion criteria provided. Collection method: clinical testing. Allele origin: germline. Not counted in ClinVar's aggregate classification.